The following is an entry in ClinVar:

NM_022834.5(VWA1):c.899G>A (p.Arg300His)

Gene: VWA1 (von Willebrand factor A domain containing 1; plus strand). Cytogenetic location: 1p36.33.
Variant type: single nucleotide variant.
Coding change: c.899G>A on transcript NM_022834.5 (MANE Select); coding-DNA position 899, G replaced by A.
Protein change: p.Arg300His; replaces arginine 300 with histidine.
Molecular consequence: missense variant. On other transcripts: 3 prime UTR variant (1).
Genome position (GRCh38, 1-based): chr1:1,439,348, G>A. VCF-style: chr1-1439348-G-A. GRCh37 (hg19) VCF-style: chr1-1374728-G-A.
Other names: p.Arg300His; c.*309G>A (NM_199121.3); short protein forms R300H.
Identifiers: ClinVar variation 2355527 (VCV002355527.3), dbSNP rs747899854, ClinGen allele CA523284.
Genomic context (GRCh38, chr1:1,439,348, plus strand): 5'-ACGTGGCGCTAGTGCCTGAGTCCAACGTGCGCCTCCTGAGGCCCCAGATCCTGCGGGTGC[G>A]CACGCGGCCCGGTGAGGCAGGGCCGGGGGCTTCGGGCCCGGAGTCGGGGGCTGGGCCGGC-3'
Protein context (NP_073745.2, residues 290-310): RLLRPQILRV[Arg300His]TRPGEAGPGA

ClinVar aggregate classification (germline): Uncertain significance. Review status: criteria provided, multiple submitters, no conflicts (2 of 4 stars). 2 submissions from 2 submitters: Uncertain significance (2). Last evaluated 2025-04-30.

Allele frequency attached by ClinVar (database versions not stated): ExAC 0.00003; gnomAD 0.00009; gnomAD exomes 0.00011; TOPMed 0.00011.
gnomAD v4.1: 164 of 1,557,204 alleles (0.011%); highest among the groups gnomAD compares: Non-Finnish European, 0.013%; no homozygotes.

Submissions (2):

Mayo Clinic Laboratories, Mayo Clinic
Classification: Uncertain significance. Last evaluated: 2025-04-30. Review status: criteria provided, single submitter. Criteria: ACMG Guidelines, 2015. Collection method: clinical testing. Allele origin: germline. Observed: 1 variant allele.
Comment: BP4_moderate

Ambry Genetics
Classification: Uncertain significance. Last evaluated: 2021-07-06. Review status: criteria provided, single submitter. Criteria: Ambry Variant Classification Scheme 2023. Collection method: clinical testing. Allele origin: germline.